The following is an entry in ClinVar:

NM_001184.4(ATR):c.4579T>C (p.Tyr1527His)

Gene: ATR (ATR checkpoint kinase; minus strand). Cytogenetic location: 3q23.
Variant type: single nucleotide variant.
Coding change: c.4579T>C on transcript NM_001184.4 (MANE Select); coding-DNA position 4579, T replaced by C.
Protein change: p.Tyr1527His; replaces tyrosine 1527 with histidine.
Molecular consequence: missense variant.
Genome position (GRCh38, 1-based): chr3:142,513,563, A>G on the plus strand (T>C on the coding strand, the complement: ATR is on the minus strand). VCF-style: chr3-142513563-A-G. GRCh37 (hg19) VCF-style: chr3-142232405-A-G.
Other names: c.4387T>C, p.Tyr1463His (NM_001354579.2); short protein forms Y1463H, Y1527H.
Identifiers: ClinVar variation 1741610 (VCV001741610.2), dbSNP rs760453297, ClinGen allele CA2649815.

ClinVar aggregate classification (germline): Uncertain significance (1 of 4 stars; one submission).

Conditions:
Inborn genetic diseases. Identifiers: MedGen C0950123, MeSH D030342.

Allele frequency attached by ClinVar (database versions not stated): ExAC 0.00001; TOPMed 0.00001; gnomAD exomes 0.00002.
gnomAD v4.1: 32 of 1,613,212 alleles (0.002%); highest among the groups gnomAD compares: Non-Finnish European, 0.0027%; no homozygotes.

Submission:

Ambry Genetics
Classification: Uncertain significance for Inborn genetic diseases. Last evaluated: 2022-03-06. Review status: criteria provided, single submitter. Criteria: Ambry Variant Classification Scheme 2023. Collection method: clinical testing. Allele origin: germline.
Comment: The p.Y1527H variant (also known as c.4579T>C), located in coding exon 26 of the ATR gene, results from a T to C substitution at nucleotide position 4579. The tyrosine at codon 1527 is replaced by histidine, an amino acid with similar properties. This amino acid position is conserved. In addition, the in silico prediction for this alteration is inconclusive. Since supporting evidence is limited at this time, the clinical significance of this alteration remains unclear.